The following is an entry in ClinVar:

NM_000465.4(BARD1):c.1825G>C (p.Val609Leu)

Gene: BARD1 (BRCA1 associated RING domain 1; minus strand). Cytogenetic location: 2q35.
Variant type: single nucleotide variant.
Coding change: c.1825G>C on transcript NM_000465.4 (MANE Select); coding-DNA position 1825, G replaced by C.
Protein change: p.Val609Leu; replaces valine 609 with leucine.
Molecular consequence: missense variant. On other transcripts: non-coding transcript variant (3), intron variant (1).
Genome position (GRCh38, 1-based): chr2:214,745,145, C>G on the plus strand (G>C on the coding strand, the complement: BARD1 is on the minus strand). VCF-style: chr2-214745145-C-G. GRCh37 (hg19) VCF-style: chr2-215609869-C-G.
Other names: c.1768G>C, p.Val590Leu (NM_001282543.2); c.472G>C, p.Val158Leu (NM_001282545.2); c.415G>C, p.Val139Leu (NM_001282548.2); c.365-14637G>C (NM_001282549.2); short protein forms V609L, V158L, V590L, V139L.
Identifiers: ClinVar variation 485308 (VCV000485308.10), dbSNP rs1023863994, ClinGen allele CA64802372.

ClinVar aggregate classification (germline): Uncertain significance. Review status: criteria provided, multiple submitters, no conflicts (2 of 4 stars). 2 submissions from 2 submitters: Uncertain significance (2). Last evaluated 2024-12-17.

Conditions:
Familial cancer of breast. Also called: BREAST CANCER, FAMILIAL; Hereditary breast cancer; hereditary breast carcinoma. Identifiers: Orphanet 227535, MedGen C0346153, MONDO:0016419, OMIM 114480. Disease mechanism: loss of function.
Hereditary cancer-predisposing syndrome. Also called: Neoplastic Syndromes, Hereditary; Tumor predisposition; Hereditary Cancer Syndrome; Hereditary neoplastic syndrome. Identifiers: Orphanet 140162, MedGen C0027672, MeSH D009386, MONDO:0015356.

Submissions (2):

Ambry Genetics
Classification: Uncertain significance for Hereditary cancer-predisposing syndrome. Last evaluated: 2024-12-17. Review status: criteria provided, single submitter. Criteria: Ambry Variant Classification Scheme 2023. Collection method: clinical testing. Allele origin: germline.
Comment: The p.V609L variant (also known as c.1825G>C), located in coding exon 9 of the BARD1 gene, results from a G to C substitution at nucleotide position 1825. The valine at codon 609 is replaced by leucine, an amino acid with highly similar properties. This amino acid position is well conserved in available vertebrate species. In addition, this alteration is predicted to be tolerated by in silico analysis. Since supporting evidence is limited at this time, the clinical significance of this alteration remains unclear.

Labcorp Genetics (formerly Invitae), Labcorp
Classification: Uncertain significance for Familial cancer of breast. Last evaluated: 2024-10-13. Review status: criteria provided, single submitter. Criteria: Invitae Variant Classification Sherloc (09022015). Collection method: clinical testing. Allele origin: germline.
Comment: This sequence change replaces valine, which is neutral and non-polar, with leucine, which is neutral and non-polar, at codon 609 of the BARD1 protein (p.Val609Leu). This variant is not present in population databases (gnomAD no frequency). This variant has not been reported in the literature in individuals affected with BARD1-related conditions. ClinVar contains an entry for this variant (Variation ID: 485308). An algorithm developed to predict the effect of missense changes on protein structure and function (PolyPhen-2) suggests that this variant is likely to be tolerated. In summary, the available evidence is currently insufficient to determine the role of this variant in disease. Therefore, it has been classified as a Variant of Uncertain Significance.